The following is an entry in ClinVar:

ClinVar aggregate classification (germline): Uncertain significance (1 of 4 stars; one submission).

Conditions:
Hereditary cancer-predisposing syndrome. Also called: Neoplastic Syndromes, Hereditary; Tumor predisposition; Hereditary Cancer Syndrome; Hereditary neoplastic syndrome. Identifiers: Orphanet 140162, MedGen C0027672, MeSH D009386, MONDO:0015356.

Submission:

Ambry Genetics
Classification: Uncertain significance for Hereditary cancer-predisposing syndrome. Last evaluated: 2022-06-01. Review status: criteria provided, single submitter. Criteria: Ambry Variant Classification Scheme 2023. Collection method: clinical testing. Allele origin: germline.
Comment: The p.A279G variant (also known as c.836C>G), located in coding exon 7 of the MRE11A gene, results from a C to G substitution at nucleotide position 836. The alanine at codon 279 is replaced by glycine, an amino acid with similar properties. This amino acid position is conserved. In addition, the in silico prediction for this alteration is inconclusive. Since supporting evidence is limited at this time, the clinical significance of this alteration remains unclear.

NM_005591.4(MRE11):c.836C>G (p.Ala279Gly)

Gene: MRE11 (MRE11 double strand break repair nuclease; minus strand). Cytogenetic location: 11q21.
Variant type: single nucleotide variant.
Coding change: c.836C>G on transcript NM_005591.4 (MANE Select); coding-DNA position 836, C replaced by G.
Protein change: p.Ala279Gly; replaces alanine 279 with glycine.
Molecular consequence: missense variant.
Genome position (GRCh38, 1-based): chr11:94,471,583, G>C on the plus strand (C>G on the coding strand, the complement: MRE11 is on the minus strand). VCF-style: chr11-94471583-G-C. GRCh37 (hg19) VCF-style: chr11-94204749-G-C.
Other names: c.836C>G, p.Ala279Gly (NM_001330347.2, NM_005590.4); short protein forms A279G.
Identifiers: ClinVar variation 1800035 (VCV001800035.2), dbSNP rs2496493949, ClinGen allele CA382375463.